The following is an entry in ClinVar:

NM_001143938.3(ZNF534):c.1698G>A (p.Ala566=)

Gene: ZNF534 (zinc finger protein 534; plus strand). Cytogenetic location: 19q13.41.
Variant type: single nucleotide variant.
Coding change: c.1698G>A on transcript NM_001143938.3 (MANE Select); coding-DNA position 1698, G replaced by A.
Protein change: p.Ala566=; no amino-acid change (alanine 566 retained).
Molecular consequence: synonymous variant. On other transcripts: intron variant (2).
Genome position (GRCh38, 1-based): chr19:52,439,158, G>A. VCF-style: chr19-52439158-G-A. GRCh37 (hg19) VCF-style: chr19-52942411-G-A.
Other names: c.1737G>A, p.Ala579= (NM_001143939.3); c.1614G>A, p.Ala538= (NM_001351679.2); c.271+3949G>A (NM_001291368.4); c.142+5077G>A (NM_001291369.4).
Identifiers: ClinVar variation 2650394 (VCV002650394.24), dbSNP rs113700997, ClinGen allele CA9624324.
Genomic context (GRCh38, chr19:52,439,158, plus strand): 5'-AGAAAAGCCTTACAGTTGTAATGAATGTGGCAAGGTCTTCAGTCGGAATTCACACCTTGC[G>A]CGACATAGGAATATTCATACTGGAGAGAAGCCTCACAGTTGTAATGAATGTGGCAAGGTC-3'
Protein context (NP_001137410.1, residues 556-576): GKVFSRNSHL[Ala566=]RHRNIHTGEK

ClinVar aggregate classification (germline): Likely benign (1 of 4 stars; one submission).

Allele frequency attached by ClinVar (database versions not stated): ExAC 0.00084; gnomAD exomes 0.00003; gnomAD 0.00005.
gnomAD v4.1: 42 of 1,529,188 alleles (0.0027%); highest among the groups gnomAD compares: Admixed American, 0.0038%; 1 homozygote.

Submission:

CeGaT Center for Human Genetics Tuebingen
Classification: Likely benign. Last evaluated: 2024-11-01. Review status: criteria provided, single submitter. Criteria: CeGaT Center For Human Genetics Tuebingen Variant Classification Criteria Version 2. Collection method: clinical testing. Allele origin: germline. Affected: yes. Observed: 5 variant alleles.
Comment: ZNF534: BP4, BP7